The following is an entry in ClinVar:

ClinVar aggregate classification (germline): other (0 of 4 stars; one submission).

Conditions:
Familial colorectal cancer. Identifiers: MedGen CN280943, MONDO:0023113. Disease mechanism: loss of function.

Allele frequency attached by ClinVar (database versions not stated): gnomAD 0.05425 and 0.05547; TOPMed 0.06210; 1000 Genomes Project 30x 0.09557; 1000 Genomes Project 0.09824.
gnomAD v4.1: 8,342 of 150,890 alleles (5.5%); highest among the groups gnomAD compares: East Asian, 15%; 438 homozygotes.

Submission:

Systems Biology Platform Zhejiang California International NanoSystems Institute
Classification: other for Familial colorectal cancer. Review status: no assertion criteria provided. Collection method: not provided. Allele origin: unknown.
ClinVar note: Converted during submission from cancer to other.

NM_000038.6(APC):c.1744-758C>G

Gene: APC (APC regulator of WNT signaling pathway; plus strand). Cytogenetic location: 5q22.2.
Variant type: single nucleotide variant.
Coding change: c.1744-758C>G on transcript NM_000038.6 (MANE Select); 758 bases into the intron before coding-DNA position 1744, C replaced by G.
Molecular consequence: intron variant.
Genome position (GRCh38, 1-based): chr5:112,834,193, C>G. VCF-style: chr5-112834193-C-G. GRCh37 (hg19) VCF-style: chr5-112169890-C-G.
Other names: c.1744-758C>G (NM_001354895.2, NM_001127510.3); c.1774-758C>G (NM_001354897.2); c.1471-758C>G (NM_001354902.2); c.1690-758C>G (NM_001127511.3); c.1669-758C>G (NM_001354898.2); c.1366-758C>G (NM_001354904.2); c.895-758C>G (NM_001354906.2); c.1798-758C>G (NM_001354896.2); and 5 more.
Identifiers: ClinVar variation 83198 (VCV000083198.2), dbSNP rs76577654, ClinGen allele CA005969.